The following is an entry in ClinVar:

ClinVar aggregate classification (germline): Uncertain significance (1 of 4 stars; one submission).

Allele frequency attached by ClinVar (database versions not stated): gnomAD exomes below 0.00001.
gnomAD v4.1: 5 of 1,613,958 alleles (0.00031%); highest among the groups gnomAD compares: African/African-American, 0.0027%; no homozygotes.

Submission:

Labcorp Genetics (formerly Invitae), Labcorp
Classification: Uncertain significance. Last evaluated: 2022-08-09. Review status: criteria provided, single submitter. Criteria: Invitae Variant Classification Sherloc (09022015). Collection method: clinical testing. Allele origin: germline.
Comment: In summary, the available evidence is currently insufficient to determine the role of this variant in disease. Therefore, it has been classified as a Variant of Uncertain Significance. This sequence change falls in intron 3 of the DNAJC12 gene. It does not directly change the encoded amino acid sequence of the DNAJC12 protein. It affects a nucleotide within the consensus splice site. This variant is present in population databases (no rsID available, gnomAD 0.007%). This variant has not been reported in the literature in individuals affected with DNAJC12-related conditions. Variants that disrupt the consensus splice site are a relatively common cause of aberrant splicing (PMID: 17576681, 9536098). Algorithms developed to predict the effect of sequence changes on RNA splicing suggest that this variant is not likely to affect RNA splicing.

Literature cited by the submitters: PubMed 17576681; PubMed 9536098.

NM_021800.3(DNAJC12):c.297+4G>C

Gene: DNAJC12 (DnaJ heat shock protein family (Hsp40) member C12; minus strand). Cytogenetic location: 10q21.3.
Variant type: single nucleotide variant.
Coding change: c.297+4G>C on transcript NM_021800.3 (MANE Select); 4 bases into the intron after coding-DNA position 297, G replaced by C.
Molecular consequence: intron variant. On other transcripts: missense variant (1).
Genome position (GRCh38, 1-based): chr10:67,811,520, C>G on the plus strand (G>C on the coding strand, the complement: DNAJC12 is on the minus strand). VCF-style: chr10-67811520-C-G. GRCh37 (hg19) VCF-style: chr10-69571278-C-G.
Other names: c.301G>C, p.Gly101Arg (NM_201262.2); short protein forms G101R.
Identifiers: ClinVar variation 2182076 (VCV002182076.4), dbSNP rs1234026628, ClinGen allele CA377098522.